The following is an entry in ClinVar:

NM_006031.6(PCNT):c.1997G>C (p.Arg666Pro)

Gene: PCNT (pericentrin; plus strand). Cytogenetic location: 21q22.3.
Variant type: single nucleotide variant.
Coding change: c.1997G>C on transcript NM_006031.6 (MANE Select); coding-DNA position 1997, G replaced by C.
Protein change: p.Arg666Pro; replaces arginine 666 with proline.
Molecular consequence: missense variant.
Genome position (GRCh38, 1-based): chr21:46,357,034, G>C. VCF-style: chr21-46357034-G-C. GRCh37 (hg19) VCF-style: chr21-47776949-G-C.
Other names: c.1643G>C, p.Arg548Pro (NM_001315529.2); short protein forms R548P, R666P.
Identifiers: ClinVar variation 2628656 (VCV002628656.3), dbSNP rs370485278, ClinGen allele CA10078856.

ClinVar aggregate classification (germline): Uncertain significance. Review status: criteria provided, single submitter (1 of 4 stars). 2 submissions from 2 submitters: Uncertain significance (1). 1 of the submissions does not count toward it. Last evaluated 2025-02-14.

Conditions:
Inborn genetic diseases. Identifiers: MedGen C0950123, MeSH D030342.
PCNT-related disorder. Also called: PCNT-related condition.

Allele frequency attached by ClinVar (database versions not stated): ESP Exome Variant Server 0.00008; TOPMed 0.00008.
gnomAD v4.1: 31 of 1,614,108 alleles (0.0019%); highest among the groups gnomAD compares: African/African-American, 0.029%; no homozygotes.

Submissions (2):

Ambry Genetics
Classification: Uncertain significance for Inborn genetic diseases. Last evaluated: 2025-02-14. Review status: criteria provided, single submitter. Criteria: Ambry Variant Classification Scheme 2023. Collection method: clinical testing. Allele origin: germline.

PreventionGenetics, part of Exact Sciences
Classification: Uncertain significance for PCNT-related condition. Last evaluated: 2024-05-30. Review status: no assertion criteria provided. Collection method: clinical testing. Allele origin: germline. Not counted in ClinVar's aggregate classification.
Comment: The PCNT c.1997G>C variant is predicted to result in the amino acid substitution p.Arg666Pro. To our knowledge, this variant has not been reported in the literature. This variant is reported in 0.032% of alleles in individuals of African descent in gnomAD. At this time, the clinical significance of this variant is uncertain due to the absence of conclusive functional and genetic evidence.